The following is an entry in ClinVar:

NM_000152.5(GAA):c.1437+19G>A

Gene: GAA (alpha glucosidase; plus strand). Cytogenetic location: 17q25.3.
Variant type: single nucleotide variant.
Coding change: c.1437+19G>A on transcript NM_000152.5 (MANE Select); 19 bases into the intron after coding-DNA position 1437, G replaced by A.
Molecular consequence: intron variant.
Genome position (GRCh38, 1-based): chr17:80,110,074, G>A. VCF-style: chr17-80110074-G-A. GRCh37 (hg19) VCF-style: chr17-78083873-G-A.
Other names: c.1437+19G>A (NM_001079803.3, NM_001079804.3, LRG_673t1).
Identifiers: ClinVar variation 515407 (VCV000515407.12), dbSNP rs746904197, ClinGen allele CA8815324.
Genomic context (GRCh38, chr17:80,110,074, plus strand): 5'-GTTTTCATCACCAACGAGACCGGCCAGCCGCTGATTGGGAAGGTAGGGCGAGGGTCCAGG[G>A]GACGGGGGTTAGAAAGCAGAGGCCTCCAGCCAGGGGGAGCCGGCAGCTGCTCAGGAAGAC-3'

ClinVar aggregate classification (germline): Likely benign. Review status: reviewed by expert panel (3 of 4 stars). 4 submissions from 4 submitters: Likely benign (1). 3 of the submissions do not count toward it. Last evaluated 2026-07-07.

Conditions:
Glycogen storage disease, type II (IOPD). Also called: CARDIOMEGALIA GLYCOGENICA DIFFUSA; GLYCOGENOSIS, GENERALIZED, CARDIAC FORM; GSD II; Glycogen storage disease type 2; Acid maltase deficiency disease; Aglucosidase alfa. Identifiers: Orphanet 365, MedGen C0017921, MONDO:0009290, OMIM 232300.

Allele frequency attached by ClinVar (database versions not stated): ExAC 0.00003; gnomAD 0.00005; gnomAD exomes 0.00005; TOPMed 0.00006.
gnomAD v4.1: 91 of 1,602,178 alleles (0.0057%); highest among the groups gnomAD compares: Middle Eastern, 0.25%; no homozygotes.

Submissions (4):

ClinGen Lysosomal Storage Disorder Variant Curation Expert Panel
Classification: Likely benign for Glycogen storage disease, type II. Last evaluated: 2026-07-07. Review status: reviewed by expert panel. Criteria: clingen_lsd_acmg_specifications_v2-1. Collection method: curation. Allele origin: germline. Inheritance: Autosomal recessive inheritance.
Comment: The NM_000152.5:c c.1437+19G>A variant in GAA is an intronic variant located in intron 9 of the GAA gene. The computational splicing predictor SpliceAI gives a score of 0 for donor site loss, suggesting that the variant has no impact on splicing (BP4). The highest population minor allele frequency in gnomAD v4.1.0 is 0.002488 (15/6028 alleles) in the Middle Eastern population, which is higher than the ClinGen Lysosomal Diseases VCEP’s threshold for PM2 (<0.001), but lower than the threshold for BS1 (<0.005) and therefore does not meet either of these criteria. There is a ClinVar entry for this variant (Variation ID: 515407). The ClinGen LD VCEP decided to downgrade the classification of this variant to likely benign for Pompe disease given that it is not rare enough to meet the PM2_Supporting threshold, it has no predicted impact on splicing, it is beyond +7 in an intron, and it has not been reported in any individuals with features of Pompe disease to our knowledge. In summary, this variant was classified as likely benign for Pompe disease. GAA-specific ACMG/AMP criteria applied, as specified by the ClinGen Lysosomal Diseases Variant Curation Expert Panel (Specifications Version 2.0): BP4 (classification modified to likely benign). (Classification approved by the ClinGen Lysosomal Diseases Variant Curation Expert Panel on July 7, 2026).

Labcorp Genetics (formerly Invitae), Labcorp
Classification: Likely benign for Glycogen storage disease, type II. Last evaluated: 2026-01-15. Review status: criteria provided, single submitter. Criteria: Invitae Variant Classification Sherloc (09022015). Collection method: clinical testing. Allele origin: germline. Not counted in ClinVar's aggregate classification.

Blueprint Genetics
Classification: Likely benign. Last evaluated: 2024-11-20. Review status: criteria provided, single submitter. Criteria: ACMG Guidelines, 2015. Collection method: clinical testing. Allele origin: germline. Not counted in ClinVar's aggregate classification.

GeneDx
Classification: Likely benign. Last evaluated: 2018-02-16. Review status: criteria provided, single submitter. Criteria: GeneDx Variant Classification (06012015). Collection method: clinical testing. Allele origin: germline. Affected: yes. Not counted in ClinVar's aggregate classification.
Comment: This variant is considered likely benign or benign based on one or more of the following criteria: it is a conservative change, it occurs at a poorly conserved position in the protein, it is predicted to be benign by multiple in silico algorithms, and/or has population frequency not consistent with disease.